The following is an entry in ClinVar:

ClinVar aggregate classification (germline): Uncertain significance (1 of 4 stars; one submission).

Conditions:
Supravalvar aortic stenosis (SVAS). Also called: Supravalvar aortic stenosis, Eisenberg type. Identifiers: Orphanet 3193, MedGen C0003499, MONDO:0008504, OMIM 185500, HP:0004381.

gnomAD v4.1: 8 of 1,614,212 alleles (0.0005%); highest among the groups gnomAD compares: East Asian, 0.0022%; no homozygotes.

Submission:

Labcorp Genetics (formerly Invitae), Labcorp
Classification: Uncertain significance for Supravalvar aortic stenosis. Last evaluated: 2024-10-17. Review status: criteria provided, single submitter. Criteria: Invitae Variant Classification Sherloc (09022015). Collection method: clinical testing. Allele origin: germline.
Comment: This sequence change replaces alanine, which is neutral and non-polar, with threonine, which is neutral and polar, at codon 707 of the ELN protein (p.Ala707Thr). This variant is present in population databases (rs782348158, gnomAD 0.006%). This variant has not been reported in the literature in individuals affected with ELN-related conditions. Invitae Evidence Modeling of protein sequence and biophysical properties (such as structural, functional, and spatial information, amino acid conservation, physicochemical variation, residue mobility, and thermodynamic stability) indicates that this missense variant is not expected to disrupt ELN protein function with a negative predictive value of 80%. In summary, the available evidence is currently insufficient to determine the role of this variant in disease. Therefore, it has been classified as a Variant of Uncertain Significance.

NM_000501.4(ELN):c.1933G>A (p.Ala645Thr)

Gene: ELN (elastin; plus strand). Cytogenetic location: 7q11.23.
Variant type: single nucleotide variant.
Coding change: c.1933G>A on transcript NM_000501.4 (MANE Select); coding-DNA position 1933, G replaced by A.
Protein change: p.Ala645Thr; replaces alanine 645 with threonine.
Molecular consequence: missense variant.
Genome position (GRCh38, 1-based): chr7:74,063,635, G>A. VCF-style: chr7-74063635-G-A. GRCh37 (hg19) VCF-style: chr7-73477965-G-A.
Other names: c.1846G>A, p.Ala616Thr (NM_001081752.3); c.1891G>A, p.Ala631Thr (NM_001081753.3); c.1948G>A, p.Ala650Thr (NM_001081754.3); c.1876G>A, p.Ala626Thr (NM_001081755.3); c.1933G>A, p.Ala645Thr (NM_001278912.2); c.1690G>A, p.Ala564Thr (NM_001278913.2); c.1861G>A, p.Ala621Thr (NM_001278914.2); c.1951G>A, p.Ala651Thr (NM_001278915.2); and 4 more; short protein forms A597T, A635T, A556T, A621T, A626T, A650T, A651T, A564T.
Identifiers: ClinVar variation 3702761 (VCV003702761.2).